The following is an entry in ClinVar:

ClinVar aggregate classification (germline): Uncertain significance (1 of 4 stars; one submission).

Conditions:
Glycogen storage disease due to muscle and heart glycogen synthase deficiency. Also called: GSD 0b; MUSCLE GLYCOGEN SYNTHASE DEFICIENCY. Identifiers: Orphanet 137625, MedGen C1969054, MONDO:0012693, OMIM 611556.

gnomAD v4.1: 4 of 1,614,140 alleles (0.00025%); highest among the groups gnomAD compares: Admixed American, 0.0017%; no homozygotes.

Submission:

Labcorp Genetics (formerly Invitae), Labcorp
Classification: Uncertain significance for Glycogen storage disease due to muscle and heart glycogen synthase deficiency. Last evaluated: 2024-05-15. Review status: criteria provided, single submitter. Criteria: Invitae Variant Classification Sherloc (09022015). Collection method: clinical testing. Allele origin: germline.
Comment: This sequence change replaces glutamic acid, which is acidic and polar, with lysine, which is basic and polar, at codon 57 of the GYS1 protein (p.Glu57Lys). This variant is present in population databases (no rsID available, gnomAD 0.006%). This variant has not been reported in the literature in individuals affected with GYS1-related conditions. ClinVar contains an entry for this variant (Variation ID: 1992207). Advanced modeling of protein sequence and biophysical properties (such as structural, functional, and spatial information, amino acid conservation, physicochemical variation, residue mobility, and thermodynamic stability) performed at Invitae indicates that this missense variant is not expected to disrupt GYS1 protein function with a negative predictive value of 80%. In summary, the available evidence is currently insufficient to determine the role of this variant in disease. Therefore, it has been classified as a Variant of Uncertain Significance.

NM_002103.5(GYS1):c.169G>A (p.Glu57Lys)

Gene: GYS1 (glycogen synthase 1; minus strand). Cytogenetic location: 19q13.33.
Variant type: single nucleotide variant.
Coding change: c.169G>A on transcript NM_002103.5 (MANE Select); coding-DNA position 169, G replaced by A.
Protein change: p.Glu57Lys; replaces glutamic acid 57 with lysine.
Molecular consequence: missense variant.
Genome position (GRCh38, 1-based): chr19:48,991,433, C>T on the plus strand (G>A on the coding strand, the complement: GYS1 is on the minus strand). VCF-style: chr19-48991433-C-T. GRCh37 (hg19) VCF-style: chr19-49494690-C-T.
Other names: c.169G>A, p.Glu57Lys (NM_001161587.2); short protein forms E57K.
Identifiers: ClinVar variation 1992207 (VCV001992207.4), dbSNP rs1269744178, ClinGen allele CA406766777.